The following is an entry in ClinVar:

NM_003036.4(SKI):c.1405G>C (p.Ala469Pro)

Gene: SKI (SKI proto-oncogene; plus strand). Cytogenetic location: 1p36.32.
Variant type: single nucleotide variant.
Coding change: c.1405G>C on transcript NM_003036.4 (MANE Select); coding-DNA position 1405, G replaced by C.
Protein change: p.Ala469Pro; replaces alanine 469 with proline.
Molecular consequence: missense variant.
Genome position (GRCh38, 1-based): chr1:2,304,033, G>C. VCF-style: chr1-2304033-G-C. GRCh37 (hg19) VCF-style: chr1-2235472-G-C.
Other names: short protein forms A469P.
Identifiers: ClinVar variation 3901330 (VCV003901330.2).

ClinVar aggregate classification (germline): Conflicting classifications of pathogenicity. Review status: criteria provided, conflicting classifications (1 of 4 stars). 2 submissions from 2 submitters: Uncertain significance (1); Likely benign (1). Last evaluated 2025-02-20.

Conditions:
Shprintzen-Goldberg syndrome (SGS). Also called: SHPRINTZEN-GOLDBERG CRANIOSYNOSTOSIS SYNDROME; CRANIOSYNOSTOSIS WITH ARACHNODACTYLY AND ABDOMINAL HERNIAS; Marfanoid disorder with craniosynostosis type 1; Marfanoid craniosynostosis syndrome; Shprintzen-Goldberg marfanoid syndrome. Identifiers: Orphanet 2462, MedGen C1321551, MONDO:0008426, OMIM 182212.

gnomAD v4.1: 6 of 1,612,392 alleles (0.00037%); highest among the groups gnomAD compares: Admixed American, 0.0083%; no homozygotes.

Submissions (2):

Labcorp Genetics (formerly Invitae), Labcorp
Classification: Likely benign for Shprintzen-Goldberg syndrome. Last evaluated: 2025-02-20. Review status: criteria provided, single submitter. Criteria: Invitae Variant Classification Sherloc (09022015). Collection method: clinical testing. Allele origin: germline.

GeneDx
Classification: Uncertain significance. Last evaluated: 2024-12-05. Review status: criteria provided, single submitter. Criteria: GeneDx Variant Classification Process June 2021. Collection method: clinical testing. Allele origin: germline. Affected: yes.
Comment: In silico analysis indicates that this missense variant does not alter protein structure/function; Has not been previously published as pathogenic or benign to our knowledge